The following is an entry in ClinVar:

ClinVar aggregate classification (germline): Uncertain significance (1 of 4 stars; one submission).

Conditions:
ARHGAP6-related disorder. Also called: ARHGAP6-related condition.

Submission:

PreventionGenetics, part of Exact Sciences
Classification: Uncertain significance for ARHGAP6-related condition. Last evaluated: 2025-10-27. Review status: criteria provided, single submitter. Criteria: ACMG Guidelines, 2015. Collection method: clinical testing. Allele origin: germline.
Comment: The ARHGAP6 c.2018C>T variant is predicted to result in the amino acid substitution p.Ser673Phe. To our knowledge, this variant has not been reported in the literature. This variant is reported in 0.0076% of alleles in individuals of African descent in gnomAD. At this time, the clinical significance of this variant is uncertain due to the absence of conclusive functional and genetic evidence.

NM_013427.3(ARHGAP6):c.2018C>T (p.Ser673Phe)

Gene: ARHGAP6 (Rho GTPase activating protein 6; minus strand). Cytogenetic location: Xp22.2.
Variant type: single nucleotide variant.
Coding change: c.2018C>T on transcript NM_013427.3 (MANE Select); coding-DNA position 2018, C replaced by T.
Protein change: p.Ser673Phe; replaces serine 673 with phenylalanine.
Molecular consequence: missense variant. On other transcripts: non-coding transcript variant (1).
Genome position (GRCh38, 1-based): chrX:11,144,138, G>A on the plus strand (C>T on the coding strand, the complement: ARHGAP6 is on the minus strand). VCF-style: chrX-11144138-G-A. GRCh37 (hg19) VCF-style: chrX-11162258-G-A.
Other names: c.1478C>T, p.Ser493Phe (NM_001287242.2); c.2018C>T, p.Ser673Phe (NM_006125.3); c.1409C>T, p.Ser470Phe (NM_013423.3); short protein forms S470F, S673F, S493F.
Identifiers: ClinVar variation 4996190 (VCV004996190.1).